The following is an entry in ClinVar:

NM_058004.4(PI4KA):c.3863G>T (p.Cys1288Phe)

Gene: PI4KA (phosphatidylinositol 4-kinase alpha; minus strand). Cytogenetic location: 22q11.21.
Variant type: single nucleotide variant.
Coding change: c.3863G>T on transcript NM_058004.4 (MANE Select); coding-DNA position 3863, G replaced by T.
Protein change: p.Cys1288Phe; replaces cysteine 1288 with phenylalanine.
Molecular consequence: missense variant.
Genome position (GRCh38, 1-based): chr22:20,734,432, C>A on the plus strand (G>T on the coding strand, the complement: PI4KA is on the minus strand). VCF-style: chr22-20734432-C-A. GRCh37 (hg19) VCF-style: chr22-21088720-C-A.
Other names: c.3770G>T, p.Cys1257Phe (NM_001362862.2); c.3797G>T, p.Cys1266Phe (NM_001362863.2); short protein forms C1257F, C1266F, C1288F.
Identifiers: ClinVar variation 3771702 (VCV003771702.13).

ClinVar aggregate classification (germline): Uncertain significance (1 of 4 stars; one submission).

gnomAD v4.1: 57 of 1,608,388 alleles (0.0035%); highest among the groups gnomAD compares: Non-Finnish European, 0.0044%; no homozygotes.

Submission:

CeGaT Center for Human Genetics Tuebingen
Classification: Uncertain significance. Last evaluated: 2025-01-01. Review status: criteria provided, single submitter. Criteria: CeGaT Center For Human Genetics Tuebingen Variant Classification Criteria Version 2. Collection method: clinical testing. Allele origin: germline. Affected: yes. Observed: 1 variant allele.
Comment: PI4KA: PM2